The following is an entry in ClinVar:

NM_000059.4(BRCA2):c.4126G>C (p.Gly1376Arg)

Gene: BRCA2 (BRCA2 DNA repair associated; plus strand). Cytogenetic location: 13q13.1.
Variant type: single nucleotide variant.
Coding change: c.4126G>C on transcript NM_000059.4 (MANE Select); coding-DNA position 4126, G replaced by C.
Protein change: p.Gly1376Arg; replaces glycine 1376 with arginine.
Molecular consequence: missense variant. On other transcripts: non-coding transcript variant (1), intron variant (2).
Genome position (GRCh38, 1-based): chr13:32,338,481, G>C. VCF-style: chr13-32338481-G-C. GRCh37 (hg19) VCF-style: chr13-32912618-G-C.
Other names: c.4126G>C, p.Gly1376Arg (NM_001406719.1, NM_001406720.1, NM_001432077.1); c.1909+5094G>C (NM_001406721.1); c.425-6077G>C (NM_001406722.1); short protein forms G1376R.
Identifiers: ClinVar variation 3765271 (VCV003765271.1).

ClinVar aggregate classification (germline): Likely benign (1 of 4 stars; one submission).

Submission:

Center for Genomic Medicine, Rigshospitalet, Copenhagen University Hospital
Classification: Likely benign. Last evaluated: 2025-03-04. Review status: criteria provided, single submitter. Criteria: ACMG Guidelines, 2015. Collection method: clinical testing. Allele origin: germline.
Comment: Classification criteria: BP1_strong